The following is an entry in ClinVar:

NM_000262.3(NAGA):c.358G>A (p.Ala120Thr)

Genes: NAGA (alpha-N-acetylgalactosaminidase; minus strand), LOC126863160 (CDK7 strongly-dependent group 2 enhancer GRCh37_chr22:42462918-42464117; plus strand). Cytogenetic location: 22q13.2.
Variant type: single nucleotide variant.
Coding change: c.358G>A on transcript NM_000262.3 (MANE Select); coding-DNA position 358, G replaced by A.
Protein change: p.Ala120Thr; replaces alanine 120 with threonine.
Molecular consequence: missense variant.
Genome position (GRCh38, 1-based): chr22:42,067,257, C>T on the plus strand (G>A on the coding strand, the complement: NAGA is on the minus strand). VCF-style: chr22-42067257-C-T. GRCh37 (hg19) VCF-style: chr22-42463261-C-T.
Other names: c.358G>A, p.Ala120Thr (NM_001362848.1, NM_001362850.1); short protein forms A120T.
Identifiers: ClinVar variation 218437 (VCV000218437.14), dbSNP rs749506008, ClinGen allele CA249046.

ClinVar aggregate classification (germline): Uncertain significance. Review status: criteria provided, multiple submitters, no conflicts (2 of 4 stars). 4 submissions from 4 submitters: Uncertain significance (4). Last evaluated 2023-04-26.

Conditions:
Alpha-N-acetylgalactosaminidase deficiency type 1. Also called: SCHINDLER DISEASE, TYPE I; ALPHA-N-ACETYLGALACTOSAMINIDASE DEFICIENCY, TYPE I; NAGA DEFICIENCY, TYPE I; NEUROAXONAL DYSTROPHY, SCHINDLER TYPE. Identifiers: Orphanet 3137, Orphanet 79279, Orphanet 79281, MedGen C1836544, MONDO:0012221, OMIM 609241.

Allele frequency attached by ClinVar (database versions not stated): ExAC 0.00002; gnomAD 0.00002 and 0.00003; TOPMed 0.00003; gnomAD exomes 0.00004.

Submissions (4):

Women's Health and Genetics/Laboratory Corporation of America, LabCorp
Classification: Uncertain significance. Last evaluated: 2023-04-26. Review status: criteria provided, single submitter. Criteria: LabCorp Variant Classification Summary - May 2015. Collection method: clinical testing. Allele origin: germline.
Comment: Variant summary: NAGA c.358G>A (p.Ala120Thr) results in a non-conservative amino acid change in the encoded protein sequence. Three of five in-silico tools predict a benign effect of the variant on protein function. The variant allele was found at a frequency of 3.6e-05 in 251388 control chromosomes (gnomAD). The available data on variant occurrences in the general population are insufficient to allow any conclusion about variant significance. To our knowledge, c.358G>A has not been reported in the literature in individuals affected with Schindler disease and no experimental evidence demonstrating an impact on protein function has been reported. The following publication have been ascertained in the context of this evaluation (PMID: 34867278). Three clinical diagnostic laboratories have submitted clinical-significance assessments for this variant to ClinVar after 2014 and all classified the variant as uncertain significance. Based on the evidence outlined above, the variant was classified as uncertain significance.

Labcorp Genetics (formerly Invitae), Labcorp
Classification: Uncertain significance for Alpha-N-acetylgalactosaminidase deficiency type 1. Last evaluated: 2021-08-30. Review status: criteria provided, single submitter. Criteria: Invitae Variant Classification Sherloc (09022015). Collection method: clinical testing. Allele origin: germline.
Comment: This sequence change replaces alanine with threonine at codon 120 of the NAGA protein (p.Ala120Thr). The alanine residue is weakly conserved and there is a small physicochemical difference between alanine and threonine. This variant is present in population databases (rs749506008, ExAC 0.01%). This variant has not been reported in the literature in individuals affected with NAGA-related conditions. ClinVar contains an entry for this variant (Variation ID: 218437). Algorithms developed to predict the effect of missense changes on protein structure and function (SIFT, PolyPhen-2, Align-GVGD) all suggest that this variant is likely to be tolerated. In summary, the available evidence is currently insufficient to determine the role of this variant in disease. Therefore, it has been classified as a Variant of Uncertain Significance.

Mayo Clinic Laboratories, Mayo Clinic
Classification: Uncertain significance. Last evaluated: 2019-11-03. Review status: criteria provided, single submitter. Criteria: ACMG Guidelines, 2015. Collection method: clinical testing. Allele origin: germline. Observed: 1 variant allele.

Genomic Diagnostic Laboratory, Division of Genomic Diagnostics, Children's Hospital of Philadelphia
Classification: Uncertain significance. Last evaluated: 2015-03-06. Review status: criteria provided, single submitter. Criteria: DGD Variant Analysis Guidelines. Collection method: clinical testing. Allele origin: unknown.

Literature cited by the submitters: PubMed 34867278 (cited by Women's Health and Genetics/Laboratory Corporation of America, LabCorp).